The following is an entry in ClinVar:

ClinVar aggregate classification (germline): Uncertain significance (1 of 4 stars; one submission).

Allele frequency attached by ClinVar (database versions not stated): gnomAD exomes below 0.00001; ExAC 0.00001.
gnomAD v4.1: 1 of 1,613,894 alleles (0.000062%); highest among the groups gnomAD compares: Non-Finnish European, 0.000085%; no homozygotes.

Submission:

GeneDx
Classification: Uncertain significance. Last evaluated: 2022-01-12. Review status: criteria provided, single submitter. Criteria: GeneDx Variant Classification Process June 2021. Collection method: clinical testing. Allele origin: germline. Affected: yes.
Comment: In silico analysis supports that this missense variant has a deleterious effect on protein structure/function; Has not been previously published as pathogenic or benign to our knowledge

NM_003482.4(KMT2D):c.15457C>T (p.Arg5153Trp)

Gene: KMT2D (lysine methyltransferase 2D; minus strand). Cytogenetic location: 12q13.12.
Variant type: single nucleotide variant.
Coding change: c.15457C>T on transcript NM_003482.4 (MANE Select); coding-DNA position 15457, C replaced by T.
Protein change: p.Arg5153Trp; replaces arginine 5153 with tryptophan.
Molecular consequence: missense variant.
Genome position (GRCh38, 1-based): chr12:49,026,509, G>A on the plus strand (C>T on the coding strand, the complement: KMT2D is on the minus strand). VCF-style: chr12-49026509-G-A. GRCh37 (hg19) VCF-style: chr12-49420292-G-A.
Other names: short protein forms R5153W.
Identifiers: ClinVar variation 1697053 (VCV001697053.2), dbSNP rs761700549, ClinGen allele CA6545565.